The following is an entry in ClinVar:

ClinVar aggregate classification (germline): Uncertain significance (1 of 4 stars; one submission).

Submission:

Labcorp Genetics (formerly Invitae), Labcorp
Classification: Uncertain significance. Last evaluated: 2023-06-18. Review status: criteria provided, single submitter. Criteria: Invitae Variant Classification Sherloc (09022015). Collection method: clinical testing. Allele origin: germline.
Comment: In summary, the available evidence is currently insufficient to determine the role of this variant in disease. Therefore, it has been classified as a Variant of Uncertain Significance. Algorithms developed to predict the effect of sequence changes on RNA splicing suggest that this variant may disrupt the consensus splice site. Advanced modeling of protein sequence and biophysical properties (such as structural, functional, and spatial information, amino acid conservation, physicochemical variation, residue mobility, and thermodynamic stability) performed at Invitae indicates that this missense variant is not expected to disrupt RHOBTB2 protein function. This variant has not been reported in the literature in individuals affected with RHOBTB2-related conditions. This variant is not present in population databases (gnomAD no frequency). This sequence change replaces lysine, which is basic and polar, with arginine, which is basic and polar, at codon 49 of the RHOBTB2 protein (p.Lys49Arg).

NM_015178.3(RHOBTB2):c.80A>G (p.Lys27Arg)

Gene: RHOBTB2 (Rho related BTB domain containing 2; plus strand). Cytogenetic location: 8p21.3.
Variant type: single nucleotide variant.
Coding change: c.80A>G on transcript NM_015178.3 (MANE Select); coding-DNA position 80, A replaced by G.
Protein change: p.Lys27Arg; replaces lysine 27 with arginine.
Molecular consequence: missense variant.
Genome position (GRCh38, 1-based): chr8:23,004,514, A>G. VCF-style: chr8-23004514-A-G. GRCh37 (hg19) VCF-style: chr8-22862027-A-G.
Other names: c.146A>G, p.Lys49Arg (NM_001160036.2); c.101A>G, p.Lys34Arg (NM_001160037.2); c.80A>G, p.Lys27Arg (NM_001374791.1); short protein forms K34R, K49R, K27R.
Identifiers: ClinVar variation 2832607 (VCV002832607.3), dbSNP rs2486993174, ClinGen allele CA370558224.